The following is an entry in ClinVar:

GRCh37/hg19 17q12(chr17:34899836-36177728)x1

Genes: AATF (apoptosis antagonizing transcription factor; plus strand), ACACA (acetyl-CoA carboxylase alpha; minus strand), C17orf78 (chromosome 17 open reading frame 78; plus strand), DDX52 (DExD-box helicase 52; minus strand), DHRS11 (dehydrogenase/reductase 11; plus strand) and 25 more. Cytogenetic location: 17q12.
Variant type: copy number loss.
Change: copy number 1 (one copy instead of two) of chr17:34,899,836-36,177,728 (1.28 Mb, GRCh37 coordinates, 1-based), cytogenetic band 17q12.
Identifiers: ClinVar variation 57515 (VCV000057515.2).

ClinVar aggregate classification (germline): Pathogenic (1 of 4 stars; one submission).

Submission:

ISCA Site 6
Classification: Pathogenic. Last evaluated: 2011-08-12. Review status: criteria provided, single submitter. Criteria: Kaminsky et al. (Genet Med. 2011). Collection method: clinical testing. Allele origin: unknown. Affected: yes. Observed: 1 variant allele.
Comment: Copy number variation identified through the course of routine clinical cytogenomic testing in postnatal populations. Clinical assertions have been curated as described in Kaminsky et al. 2011.